The following is an entry in ClinVar:

ClinVar aggregate classification (germline): Uncertain significance (1 of 4 stars; one submission).

Submission:

Labcorp Genetics (formerly Invitae), Labcorp
Classification: Uncertain significance. Last evaluated: 2022-09-07. Review status: criteria provided, single submitter. Criteria: Invitae Variant Classification Sherloc (09022015). Collection method: clinical testing. Allele origin: germline.
Comment: Experimental studies and prediction algorithms are not available or were not evaluated, and the functional significance of this variant is currently unknown. In summary, the available evidence is currently insufficient to determine the role of this variant in disease. Therefore, it has been classified as a Variant of Uncertain Significance. This variant has not been reported in the literature in individuals affected with AFG3L2-related conditions. This variant is a gross deletion of the genomic region encompassing exon(s) 1-6 of the AFG3L2 gene, which includes the initiator codon. This deletion extends beyond the assayed region for this gene and therefore may encompass additional genes. It is expected to result in an absent or disrupted protein product. However, the current clinical and genetic evidence is not sufficient to establish whether loss-of-function variants in AFG3L2 cause disease.

NC_000018.9:g.(?_12363761)_(12377081_?)del

Gene: AFG3L2 (AFG3 like matrix AAA peptidase subunit 2; minus strand). Cytogenetic location: 18p11.21.
Variant type: Deletion.
Identifiers: ClinVar variation 1433346 (VCV001433346.5).